The following is an entry in ClinVar:

NM_015158.5(KANK1):c.2713T>C (p.Tyr905His)

Gene: KANK1 (KN motif and ankyrin repeat domains 1; plus strand). Cytogenetic location: 9p24.3.
Variant type: single nucleotide variant.
Coding change: c.2713T>C on transcript NM_015158.5 (MANE Select); coding-DNA position 2713, T replaced by C.
Protein change: p.Tyr905His; replaces tyrosine 905 with histidine.
Molecular consequence: missense variant. On other transcripts: non-coding transcript variant (1).
Genome position (GRCh38, 1-based): chr9:730,065, T>C. VCF-style: chr9-730065-T-C. GRCh37 (hg19) VCF-style: chr9-730065-T-C.
Other names: c.2713T>C, p.Tyr905His (NM_001256876.3, NM_001256877.3, NM_001354331.2 and 2 more transcripts); c.2239T>C, p.Tyr747His (NM_001354333.2, NM_001354335.2, NM_001354336.2 and 9 more transcripts); short protein forms Y905H, Y747H.
Identifiers: ClinVar variation 2840976 (VCV002840976.3), dbSNP rs2540334645, ClinGen allele CA372753427.

ClinVar aggregate classification (germline): Uncertain significance (1 of 4 stars; one submission).

Submission:

Labcorp Genetics (formerly Invitae), Labcorp
Classification: Uncertain significance. Last evaluated: 2023-02-26. Review status: criteria provided, single submitter. Criteria: Invitae Variant Classification Sherloc (09022015). Collection method: clinical testing. Allele origin: germline.
Comment: In summary, the available evidence is currently insufficient to determine the role of this variant in disease. Therefore, it has been classified as a Variant of Uncertain Significance. Advanced modeling of protein sequence and biophysical properties (such as structural, functional, and spatial information, amino acid conservation, physicochemical variation, residue mobility, and thermodynamic stability) performed at Invitae indicates that this missense variant is not expected to disrupt KANK1 protein function. This variant has not been reported in the literature in individuals affected with KANK1-related conditions. This variant is not present in population databases (gnomAD no frequency). This sequence change replaces tyrosine, which is neutral and polar, with histidine, which is basic and polar, at codon 905 of the KANK1 protein (p.Tyr905His).